The following is an entry in ClinVar:

ClinVar aggregate classification (germline): Uncertain significance. Review status: criteria provided, multiple submitters, no conflicts (2 of 4 stars). 3 submissions from 3 submitters: Uncertain significance (3). Last evaluated 2026-05-12.

Conditions:
ABCA4-related disorder. Also called: ABCA4-related disorders; ABCA4-related condition. Identifiers: MedGen CN239167.

gnomAD v4.1: 27 of 1,613,670 alleles (0.0017%); highest among the groups gnomAD compares: East Asian, 0.013%; no homozygotes.

Submissions (3):

PreventionGenetics, part of Exact Sciences
Classification: Uncertain significance for ABCA4-related condition. Last evaluated: 2026-05-12. Review status: criteria provided, single submitter. Criteria: ACMG Guidelines, 2015. Collection method: clinical testing. Allele origin: germline.
Comment: The ABCA4 c.1523G>A variant is predicted to result in the amino acid substitution p.Arg508His. To our knowledge, this variant has not been reported in the literature. Alternate substitutions of this amino acid residue (p.Arg508Pro and p.Arg508Cys) have been reported along with a second ABCA4 variant in individuals with retinal disease (Table S1, Birtel et al. 2018. PubMed ID: 29555955; Table S1, Lin et al. 2024. PubMed ID: 38219857). This variant is present in 0.0050% of alleles in individuals of East Asian descent in gnomAD. Although we suspect that this variant may be pathogenic, at this time, the clinical significance of this variant is uncertain due to the absence of conclusive functional and genetic evidence.

Labcorp Genetics (formerly Invitae), Labcorp
Classification: Uncertain significance. Last evaluated: 2025-01-15. Review status: criteria provided, single submitter. Criteria: Invitae Variant Classification Sherloc (09022015). Collection method: clinical testing. Allele origin: germline.
Comment: This sequence change replaces arginine, which is basic and polar, with histidine, which is basic and polar, at codon 508 of the ABCA4 protein (p.Arg508His). This variant is present in population databases (rs375961838, gnomAD 0.005%). This variant has not been reported in the literature in individuals affected with ABCA4-related conditions. ClinVar contains an entry for this variant (Variation ID: 2184846). Invitae Evidence Modeling of protein sequence and biophysical properties (such as structural, functional, and spatial information, amino acid conservation, physicochemical variation, residue mobility, and thermodynamic stability) indicates that this missense variant is not expected to disrupt ABCA4 protein function with a negative predictive value of 95%. This variant disrupts the p.Arg508 amino acid residue in ABCA4. Other variant(s) that disrupt this residue have been determined to be pathogenic (PMID: 26780318, 28559085). This suggests that this residue is clinically significant, and that variants that disrupt this residue are likely to be disease-causing. In summary, the available evidence is currently insufficient to determine the role of this variant in disease. Therefore, it has been classified as a Variant of Uncertain Significance.

Blueprint Genetics
Classification: Uncertain significance. Last evaluated: 2024-05-08. Review status: criteria provided, single submitter. Criteria: ACMG Guidelines, 2015. Collection method: clinical testing. Allele origin: germline.

Literature cited by the submitters: PubMed 26780318 (cited by Labcorp Genetics (formerly Invitae), Labcorp); PubMed 28559085 (cited by Labcorp Genetics (formerly Invitae), Labcorp).

NM_000350.3(ABCA4):c.1523G>A (p.Arg508His)

Gene: ABCA4 (ATP binding cassette subfamily A member 4; minus strand). Cytogenetic location: 1p22.1.
Variant type: single nucleotide variant.
Coding change: c.1523G>A on transcript NM_000350.3 (MANE Select); coding-DNA position 1523, G replaced by A.
Protein change: p.Arg508His; replaces arginine 508 with histidine.
Molecular consequence: missense variant.
Genome position (GRCh38, 1-based): chr1:94,077,721, C>T on the plus strand (G>A on the coding strand, the complement: ABCA4 is on the minus strand). VCF-style: chr1-94077721-C-T. GRCh37 (hg19) VCF-style: chr1-94543277-C-T.
Other names: c.1523G>A, p.Arg508His (NM_001425324.1); c.1523G>A (NM_000350.2); short protein forms R508H.
Identifiers: ClinVar variation 2184846 (VCV002184846.5), dbSNP rs375961838, ClinGen allele CA958505.